The following is an entry in ClinVar:

NM_001814.6(CTSC):c.706del (p.Asp236fs)

Gene: CTSC (cathepsin C; minus strand). Cytogenetic location: 11q14.2.
Variant type: Deletion.
Coding change: c.706del on transcript NM_001814.6 (MANE Select); coding-DNA position 706, one base deleted (G; older notation c.706delG).
Protein change: p.Asp236fs; shifts the reading frame from aspartic acid 236.
Molecular consequence: frameshift variant.
Genome position (GRCh38, 1-based): chr11:88,300,581, C deleted on the plus strand (G on the coding strand, the reverse complement: CTSC is on the minus strand); the first of 3 consecutive C bases (chr11:88,300,581-88,300,583); deleting any one gives the same sequence. VCF-style (leftmost placement, unchanged base first): chr11-88300580-TC-T. GRCh37 (hg19) VCF-style: chr11-88033748-TC-T.
Other names: short protein forms D236fs.
Identifiers: ClinVar variation 2951198 (VCV002951198.3), dbSNP rs2496540540, ClinGen allele CA2740093160.

ClinVar aggregate classification (germline): Pathogenic (1 of 4 stars; one submission).

Conditions:
Periodontitis, aggressive. Identifiers: MedGen C0031106, MONDO:0980757.
Papillon-Lefèvre syndrome (PALS). Also called: KERATOSIS PALMOPLANTARIS WITH PERIODONTOPATHIA; Papillon-Lefevre Disease. Identifiers: Orphanet 678, MedGen C0030360, MONDO:0009490, OMIM 245000.
Haim-Munk syndrome (HMS). Also called: COCHIN JEWISH DISORDER; KERATOSIS PALMOPLANTARIS WITH PERIODONTOPATHIA AND ONYCHOGRYPOSIS. Identifiers: Orphanet 2342, MedGen C1855627, MONDO:0009491, OMIM 245010.

Submission:

Labcorp Genetics (formerly Invitae), Labcorp
Classification: Pathogenic for Haim-Munk syndrome; Periodontitis, aggressive; Papillon-Lefèvre syndrome. Last evaluated: 2023-09-01. Review status: criteria provided, single submitter. Criteria: Invitae Variant Classification Sherloc (09022015). Collection method: clinical testing. Allele origin: germline.
Comment: This variant is not present in population databases (gnomAD no frequency). This sequence change creates a premature translational stop signal (p.Asp236Thrfs*32) in the CTSC gene. It is expected to result in an absent or disrupted protein product. Loss-of-function variants in CTSC are known to be pathogenic (PMID: 10662808, 11106356, 11886537). This variant has not been reported in the literature in individuals affected with CTSC-related conditions. For these reasons, this variant has been classified as Pathogenic.

Literature cited by the submitters: PubMed 10662808; PubMed 11106356; PubMed 11886537.